The following is an entry in ClinVar:

ClinVar aggregate classification (germline): Uncertain significance. Review status: criteria provided, single submitter (1 of 4 stars). 2 submissions from 2 submitters: Uncertain significance (1). 1 of the submissions does not count toward it. Last evaluated 2023-05-31.

Conditions:
Cardiomyopathy (CMYO). Also called: Cardiomyopathies. Identifiers: Orphanet 167848, MedGen C0878544, MONDO:0004994, HP:0001638. Inheritance: Various modes of inheritance.
Hypertrophic cardiomyopathy 1 (CMH1). Also called: Familial hypertrophic cardiomyopathy 1; MYH7-Related Familial Hypertrophic Cardiomyopathy. Identifiers: MedGen C3495498, MONDO:0008647, OMIM 192600.

gnomAD v4.1: 5 of 1,613,428 alleles (0.00031%); highest among the groups gnomAD compares: Middle Eastern, 0.018%; no homozygotes.

Submissions (2):

All of Us Research Program, National Institutes of Health
Classification: Uncertain significance for Cardiomyopathy. Last evaluated: 2023-05-31. Review status: criteria provided, single submitter. Criteria: ACMG Guidelines, 2015. Collection method: clinical testing. Allele origin: germline. Inheritance: Autosomal dominant inheritance. Observed: 1 variant allele, 1 heterozygote.
Comment: This study involves interpretation of variants in research participants for the purpose of population health screening. Participant phenotype was not available at the time of variant classification. Additional details can be found in publication PMID: 35346344, PMCID: PMC8962531

Institute of Human Genetics, University of Wuerzburg
Classification: Uncertain significance for Hypertrophic cardiomyopathy 1. Review status: no assertion criteria provided. Collection method: clinical testing. Allele origin: unknown. Affected: yes. Observed: 1 variant allele. Not counted in ClinVar's aggregate classification.

NM_000257.4(MYH7):c.3223C>G (p.Gln1075Glu)

Gene: MYH7 (myosin heavy chain 7; minus strand). Cytogenetic location: 14q11.2.
Variant type: single nucleotide variant.
Coding change: c.3223C>G on transcript NM_000257.4 (MANE Select); coding-DNA position 3223, C replaced by G.
Protein change: p.Gln1075Glu; replaces glutamine 1075 with glutamic acid.
Molecular consequence: missense variant.
Genome position (GRCh38, 1-based): chr14:23,422,202, G>C on the plus strand (C>G on the coding strand, the complement: MYH7 is on the minus strand). VCF-style: chr14-23422202-G-C. GRCh37 (hg19) VCF-style: chr14-23891411-G-C.
Other names: c.3223C>G, p.Gln1075Glu (NM_001407004.1); short protein forms Q1075E.
Identifiers: ClinVar variation 2663795 (VCV002663795.2), dbSNP rs878908005, ClinGen allele CA257817897.
Genomic context (GRCh38, chr14:23,422,202, plus strand): 5'-TGGGGAGGAGGAAGGGCAGCAGGGAGGGGACACAGTACTTTTTCAGCCGCTCATCCAGCT[G>C]CTGCTTGTCATTCTCCAGGTCCATGATGCTCTCCTGGGTCAGCTTCAGGTCGCCCTCCAG-3'
Protein context (NP_000248.2, residues 1065-1085): SIMDLENDKQ[Gln1075Glu]LDERLKKKDF